The following is an entry in ClinVar:

ClinVar aggregate classification (germline): Uncertain significance (1 of 4 stars; one submission).

Allele frequency attached by ClinVar (database versions not stated): gnomAD exomes below 0.00001 and 0.00001; gnomAD 0.00001; TOPMed 0.00001; ExAC 0.00003.
gnomAD v4.1: 5 of 1,515,238 alleles (0.00033%); highest among the groups gnomAD compares: Admixed American, 0.0023%; no homozygotes.

Submission:

Labcorp Genetics (formerly Invitae), Labcorp
Classification: Uncertain significance. Last evaluated: 2022-07-06. Review status: criteria provided, single submitter. Criteria: Invitae Variant Classification Sherloc (09022015). Collection method: clinical testing. Allele origin: germline.
Comment: This variant has not been reported in the literature in individuals affected with LOX-related conditions. This sequence change replaces alanine with threonine at codon 22 of the LOX protein (p.Ala22Thr). The alanine residue is moderately conserved and there is a small physicochemical difference between alanine and threonine. This variant is not present in population databases (gnomAD no frequency). ClinVar contains an entry for this variant (Variation ID: 1345463). Algorithms developed to predict the effect of missense changes on protein structure and function output the following: SIFT: "Not Available"; PolyPhen-2: "Benign"; Align-GVGD: "Not Available". The threonine amino acid residue is found in multiple mammalian species, which suggests that this missense change does not adversely affect protein function. In summary, the available evidence is currently insufficient to determine the role of this variant in disease. Therefore, it has been classified as a Variant of Uncertain Significance.

NM_002317.7(LOX):c.64G>A (p.Ala22Thr)

Genes: LOX (lysyl oxidase; minus strand), SRFBP1 (serum response factor binding protein 1; plus strand). Cytogenetic location: 5q23.1.
Variant type: single nucleotide variant.
Coding change: c.64G>A on transcript NM_002317.7 (MANE Select); coding-DNA position 64, G replaced by A.
Protein change: p.Ala22Thr; replaces alanine 22 with threonine.
Molecular consequence: missense variant.
Genome position (GRCh38, 1-based): chr5:122,077,922, C>T on the plus strand (G>A on the coding strand, the complement: LOX is on the minus strand). VCF-style: chr5-122077922-C-T. GRCh37 (hg19) VCF-style: chr5-121413617-C-T.
Other names: short protein forms A22T.
Identifiers: ClinVar variation 1345463 (VCV001345463.8), dbSNP rs760735762, ClinGen allele CA3384131.